The following is an entry in ClinVar:

ClinVar aggregate classification (germline): Pathogenic (1 of 4 stars; one submission).

Submission:

Labcorp Genetics (formerly Invitae), Labcorp
Classification: Pathogenic. Last evaluated: 2024-03-26. Review status: criteria provided, single submitter. Criteria: Invitae Variant Classification Sherloc (09022015). Collection method: clinical testing. Allele origin: germline.
Comment: This sequence change creates a premature translational stop signal (p.His4912Valfs*33) in the USH2A gene. It is expected to result in an absent or disrupted protein product. Loss-of-function variants in USH2A are known to be pathogenic (PMID: 10729113, 10909849, 20507924, 25649381). This variant is not present in population databases (gnomAD no frequency). This variant has not been reported in the literature in individuals affected with USH2A-related conditions. For these reasons, this variant has been classified as Pathogenic.

Literature cited by the submitters: PubMed 10729113; PubMed 10909849; PubMed 20507924; PubMed 25649381.

NM_206933.4(USH2A):c.14734_14749del (p.His4912fs)

Gene: USH2A (usherin; minus strand). Cytogenetic location: 1q41.
Variant type: Deletion.
Coding change: c.14734_14749del on transcript NM_206933.4 (MANE Select); coding-DNA positions 14734 to 14749, 16 bases deleted (CACAACGAGGTGGGCA).
Protein change: p.His4912fs; shifts the reading frame from histidine 4912.
Molecular consequence: frameshift variant.
Genome position (GRCh38, 1-based): chr1:215,647,564-215,647,579, TGCCCACCTCGTTGTG deleted on the plus strand (CACAACGAGGTGGGCA on the coding strand, the reverse complement: USH2A is on the minus strand); deleting any 16 consecutive bases within chr1:215,647,564-215,647,583 gives the same sequence; the c. name uses the placement nearest the transcript's 3' end. VCF-style (leftmost placement, unchanged base first): chr1-215647563-CTGCCCACCTCGTTGTG-C. GRCh37 (hg19) VCF-style: chr1-215820905-CTGCCCACCTCGTTGTG-C.
Other names: short protein forms H4912fs.
Identifiers: ClinVar variation 3640064 (VCV003640064.2).